The following is an entry in ClinVar:

ClinVar aggregate classification (germline): Uncertain significance. Review status: criteria provided, multiple submitters, no conflicts (2 of 4 stars). 2 submissions from 2 submitters: Uncertain significance (2). Last evaluated 2025-03-15.

Allele frequency attached by ClinVar (database versions not stated): 1000 Genomes Project 30x 0.00016; gnomAD exomes 0.00002; gnomAD 0.00007 and 0.00004; ESP Exome Variant Server 0.00008; 1000 Genomes Project 0.00020; ExAC 0.00002; TOPMed 0.00004.
gnomAD v4.1: 17 of 1,614,026 alleles (0.0011%); highest among the groups gnomAD compares: African/African-American, 0.013%; no homozygotes.

Submissions (2):

Ambry Genetics
Classification: Uncertain significance. Last evaluated: 2025-03-15. Review status: criteria provided, single submitter. Criteria: Ambry Variant Classification Scheme 2023. Collection method: clinical testing. Allele origin: germline.

Labcorp Genetics (formerly Invitae), Labcorp
Classification: Uncertain significance. Last evaluated: 2022-07-11. Review status: criteria provided, single submitter. Criteria: Invitae Variant Classification Sherloc (09022015). Collection method: clinical testing. Allele origin: germline.
Comment: This variant has not been reported in the literature in individuals affected with LIG1-related conditions. ClinVar contains an entry for this variant (Variation ID: 1409530). Algorithms developed to predict the effect of missense changes on protein structure and function (SIFT, PolyPhen-2, Align-GVGD) all suggest that this variant is likely to be tolerated. In summary, the available evidence is currently insufficient to determine the role of this variant in disease. Therefore, it has been classified as a Variant of Uncertain Significance. This sequence change replaces alanine, which is neutral and non-polar, with threonine, which is neutral and polar, at codon 269 of the LIG1 protein (p.Ala269Thr). This variant is present in population databases (rs201846395, gnomAD 0.01%).

NM_000234.3(LIG1):c.805G>A (p.Ala269Thr)

Gene: LIG1 (DNA ligase 1; minus strand). Cytogenetic location: 19q13.33.
Variant type: single nucleotide variant.
Coding change: c.805G>A on transcript NM_000234.3 (MANE Select); coding-DNA position 805, G replaced by A.
Protein change: p.Ala269Thr; replaces alanine 269 with threonine.
Molecular consequence: missense variant. On other transcripts: non-coding transcript variant (6).
Genome position (GRCh38, 1-based): chr19:48,143,935, C>T on the plus strand (G>A on the coding strand, the complement: LIG1 is on the minus strand). VCF-style: chr19-48143935-C-T. GRCh37 (hg19) VCF-style: chr19-48647192-C-T.
Other names: c.712G>A, p.Ala238Thr (NM_001289063.2); c.601G>A, p.Ala201Thr (NM_001289064.2); c.802G>A, p.Ala268Thr (NM_001320970.2); c.715G>A, p.Ala239Thr (NM_001320971.2); c.805G>A (NM_000234.1); short protein forms A269T, A238T, A201T, A239T, A268T.
Identifiers: ClinVar variation 1409530 (VCV001409530.8), dbSNP rs201846395, ClinGen allele CA9547111.